The following is an entry in ClinVar:

NM_147196.3(TMIE):c.390G>A (p.Lys130=)

Gene: TMIE (transmembrane inner ear; plus strand). Cytogenetic location: 3p21.31.
Variant type: single nucleotide variant.
Coding change: c.390G>A on transcript NM_147196.3 (MANE Select); coding-DNA position 390, G replaced by A.
Protein change: p.Lys130=; no amino-acid change (lysine 130 retained).
Molecular consequence: synonymous variant.
Genome position (GRCh38, 1-based): chr3:46,709,607, G>A. VCF-style: chr3-46709607-G-A. GRCh37 (hg19) VCF-style: chr3-46751097-G-A.
Other names: c.231G>A, p.Lys77= (NM_001370524.1, NM_001370525.1).
Identifiers: ClinVar variation 517501 (VCV000517501.5), dbSNP rs1472645388, ClinGen allele CA433459349.

ClinVar aggregate classification (germline): Likely benign (1 of 4 stars; one submission).

Submission:

Laboratory for Molecular Medicine, Mass General Brigham Personalized Medicine
Classification: Likely benign. Last evaluated: 2017-07-25. Review status: criteria provided, single submitter. Criteria: LMM Criteria. Collection method: clinical testing. Allele origin: germline. Observed: 1 variant allele.
Comment: p.Lys130Lys in exon 4 of TMIE: This variant is not expected to have clinical sig nificance because it does not alter an amino acid residue and is not located wit hin the splice consensus sequence.